The following is an entry in ClinVar:

NM_004517.4(ILK):c.815T>G (p.Met272Arg)

Genes: TAF10 (TATA-box binding protein associated factor 10; minus strand), ILK (integrin linked kinase; plus strand). Cytogenetic location: 11p15.4.
Variant type: single nucleotide variant.
Coding change: c.815T>G on transcript NM_004517.4 (MANE Select); coding-DNA position 815, T replaced by G.
Protein change: p.Met272Arg; replaces methionine 272 with arginine.
Molecular consequence: missense variant. On other transcripts: 3 prime UTR variant (1).
Genome position (GRCh38, 1-based): chr11:6,609,598, T>G. VCF-style: chr11-6609598-T-G. GRCh37 (hg19) VCF-style: chr11-6630829-T-G.
Other names: c.815T>G, p.Met272Arg (NM_001014794.3, NM_001014795.3); c.632T>G, p.Met211Arg (NM_001278441.2); c.413T>G, p.Met138Arg (NM_001278442.2); c.*1324A>C (NM_006284.4); short protein forms M138R, M272R, M211R.
Identifiers: ClinVar variation 1762225 (VCV001762225.7), dbSNP rs1244048050, ClinGen allele CA379462560.

ClinVar aggregate classification (germline): Uncertain significance. Review status: criteria provided, multiple submitters, no conflicts (2 of 4 stars). 2 submissions from 2 submitters: Uncertain significance (2). Last evaluated 2023-08-24.

Conditions:
Primary familial hypertrophic cardiomyopathy (HCM). Identifiers: Orphanet 99739, MedGen C0949658, MeSH D024741, MONDO:0024573. Inheritance: Various modes of inheritance.

Allele frequency attached by ClinVar (database versions not stated): TOPMed 0.00001.

Submissions (2):

Labcorp Genetics (formerly Invitae), Labcorp
Classification: Uncertain significance for Primary familial hypertrophic cardiomyopathy. Last evaluated: 2023-08-24. Review status: criteria provided, single submitter. Criteria: Invitae Variant Classification Sherloc (09022015). Collection method: clinical testing. Allele origin: germline.
Comment: In summary, the available evidence is currently insufficient to determine the role of this variant in disease. Therefore, it has been classified as a Variant of Uncertain Significance. An algorithm developed to predict the effect of missense changes on protein structure and function (PolyPhen-2) suggests that this variant is likely to be disruptive. ClinVar contains an entry for this variant (Variation ID: 1762225). This variant has not been reported in the literature in individuals affected with ILK-related conditions. This variant is not present in population databases (gnomAD no frequency). This sequence change replaces methionine, which is neutral and non-polar, with arginine, which is basic and polar, at codon 272 of the ILK protein (p.Met272Arg).

Ambry Genetics
Classification: Uncertain significance. Last evaluated: 2022-10-12. Review status: criteria provided, single submitter. Criteria: Ambry Variant Classification Scheme 2023. Collection method: clinical testing. Allele origin: germline.